The following is an entry in ClinVar:

NM_001135649.3(FOXI3):c.1034C>A (p.Ala345Asp)

Gene: FOXI3 (forkhead box I3; minus strand). Cytogenetic location: 2p11.2.
Variant type: single nucleotide variant.
Coding change: c.1034C>A on transcript NM_001135649.3 (MANE Select); coding-DNA position 1034, C replaced by A.
Protein change: p.Ala345Asp; replaces alanine 345 with aspartic acid.
Molecular consequence: missense variant.
Genome position (GRCh38, 1-based): chr2:88,448,436, G>T on the plus strand (C>A on the coding strand, the complement: FOXI3 is on the minus strand). VCF-style: chr2-88448436-G-T. GRCh37 (hg19) VCF-style: chr2-88747955-G-T.
Other names: short protein forms A345D.
Identifiers: ClinVar variation 1486429 (VCV001486429.6), dbSNP rs898050540, ClinGen allele CA51943837.

ClinVar aggregate classification (germline): Uncertain significance (1 of 4 stars; one submission).

Submission:

Labcorp Genetics (formerly Invitae), Labcorp
Classification: Uncertain significance. Last evaluated: 2024-12-16. Review status: criteria provided, single submitter. Criteria: Invitae Variant Classification Sherloc (09022015). Collection method: clinical testing. Allele origin: germline.
Comment: This sequence change replaces alanine, which is neutral and non-polar, with aspartic acid, which is acidic and polar, at codon 345 of the FOXI3 protein (p.Ala345Asp). This variant is not present in population databases (gnomAD no frequency). This variant has not been reported in the literature in individuals affected with FOXI3-related conditions. ClinVar contains an entry for this variant (Variation ID: 1486429). Experimental studies and prediction algorithms are not available or were not evaluated, and the functional significance of this variant is currently unknown. In summary, the available evidence is currently insufficient to determine the role of this variant in disease. Therefore, it has been classified as a Variant of Uncertain Significance.